The following is an entry in ClinVar:

ClinVar aggregate classification (germline): Benign/Likely benign. Review status: criteria provided, multiple submitters, no conflicts (2 of 4 stars). 4 submissions from 4 submitters: Benign (2); Likely benign (2). Last evaluated 2025-09-10.

Conditions:
Hereditary cancer-predisposing syndrome. Also called: Hereditary Cancer Syndrome; Neoplastic Syndromes, Hereditary; Hereditary neoplastic syndrome; Tumor predisposition. Identifiers: Orphanet 140162, MedGen C0027672, MeSH D009386, MONDO:0015356.
Tuberous sclerosis 2 (TSC2). Identifiers: Orphanet 805, MedGen C1860707, MONDO:0013199, OMIM 613254.

Allele frequency attached by ClinVar (database versions not stated): gnomAD below 0.00001 and 0.00001; gnomAD exomes 0.00001; ExAC 0.00002; 1000 Genomes Project 0.00020; 1000 Genomes Project 30x 0.00031.
gnomAD v4.1: 14 of 1,613,904 alleles (0.00087%); highest among the groups gnomAD compares: South Asian, 0.011%; no homozygotes.

Submissions (4):

Labcorp Genetics (formerly Invitae), Labcorp
Classification: Likely benign for Tuberous sclerosis 2. Last evaluated: 2025-09-10. Review status: criteria provided, single submitter. Criteria: Invitae Variant Classification Sherloc (09022015). Collection method: clinical testing. Allele origin: germline.

Myriad Genetics, Inc.
Classification: Benign for Tuberous sclerosis 2. Last evaluated: 2025-05-14. Review status: criteria provided, single submitter. Criteria: Myriad Autosomal Dominant, Autosomal Recessive and X-Linked Classification Criteria (2023). Collection method: clinical testing. Allele origin: unknown.
Comment: This variant is considered benign. This variant is a silent/synonymous amino acid change and it is not expected to impact splicing.

Genome-Nilou Lab
Classification: Benign for Tuberous sclerosis 2. Last evaluated: 2021-11-07. Review status: criteria provided, single submitter. Criteria: ACMG Guidelines, 2015. Collection method: clinical testing. Allele origin: germline. Affected: no.

Ambry Genetics
Classification: Likely benign for Hereditary cancer-predisposing syndrome. Last evaluated: 2017-12-20. Review status: criteria provided, single submitter. Criteria: Ambry Variant Classification Scheme 2023. Collection method: clinical testing. Allele origin: germline.

NM_000548.5(TSC2):c.1482C>G (p.Ser494=)

Gene: TSC2 (TSC complex subunit 2; plus strand). Cytogenetic location: 16p13.3.
Variant type: single nucleotide variant.
Coding change: c.1482C>G on transcript NM_000548.5 (MANE Select); coding-DNA position 1482, C replaced by G.
Protein change: p.Ser494=; no amino-acid change (serine 494 retained).
Molecular consequence: synonymous variant.
Genome position (GRCh38, 1-based): chr16:2,064,310, C>G. VCF-style: chr16-2064310-C-G. GRCh37 (hg19) VCF-style: chr16-2114311-C-G.
Other names: c.1482C>G, p.Ser494= (NM_001077183.3, NM_001114382.3, NM_001363528.2 and 3 more transcripts); c.1371C>G, p.Ser457= (NM_001318827.2); c.1335C>G, p.Ser445= (NM_001318829.2); c.882C>G, p.Ser294= (NM_001318831.2); c.1515C>G, p.Ser505= (NM_001318832.2).
Identifiers: ClinVar variation 819338 (VCV000819338.16), dbSNP rs549189961, ClinGen allele CA030819.
Genomic context (GRCh38, chr16:2,064,310, plus strand): 5'-GGCCTCCCTTGTGCCTGTGCAGGAGGAGCTGATTAACTCAGTGGTCATCTCGCAGCTCTC[C>G]CACATCCCCGAGGATAAAGACCACCAGGTCCGAAAGCTGGCCACCCAGTTGCTGGTGGAC-3'
Protein context (NP_000539.2, residues 484-504): LINSVVISQL[Ser494=]HIPEDKDHQV